The following is an entry in ClinVar:

ClinVar aggregate classification (germline): Likely benign. Review status: criteria provided, multiple submitters, no conflicts (2 of 4 stars). 2 submissions from 2 submitters: Likely benign (2). Last evaluated 2025-12-13.

Conditions:
Arrhythmogenic right ventricular dysplasia 9 (ARVD9). Also called: ARRHYTHMOGENIC RIGHT VENTRICULAR DYSPLASIA, FAMILIAL, 9; Arrhythmogenic Right Ventricular Dysplasia/Cardiomyopathy 9. Identifiers: MedGen C1836906, MONDO:0012180, OMIM 609040.
Arrhythmogenic right ventricular cardiomyopathy (ARVD). Also called: Arrhythmogenic right ventricular dysplasia; Cardiomyopathy, ARVC; Arrhythmogenic cardiomyopathy; Arrhythmogenic Right Ventricular Cardiomyopathy (ARVC). Identifiers: Orphanet 247, MedGen C0349788, MeSH D019571, MONDO:0016587. Disease mechanism: loss of function. Inheritance: Various modes of inheritance.

Submissions (2):

Labcorp Genetics (formerly Invitae), Labcorp
Classification: Likely benign for Arrhythmogenic right ventricular dysplasia 9. Last evaluated: 2025-12-13. Review status: criteria provided, single submitter. Criteria: Invitae Variant Classification Sherloc (09022015). Collection method: clinical testing. Allele origin: germline.

All of Us Research Program, National Institutes of Health
Classification: Likely benign for Arrhythmogenic right ventricular cardiomyopathy. Last evaluated: 2024-01-08. Review status: criteria provided, single submitter. Criteria: ACMG Guidelines, 2015. Collection method: clinical testing. Allele origin: germline. Inheritance: Autosomal dominant inheritance. Observed: 1 variant allele, 1 heterozygote.
Comment: This study involves interpretation of variants in research participants for the purpose of population health screening. Participant phenotype was not available at the time of variant classification. Additional details can be found in publication PMID: 35346344, PMCID: PMC8962531

NM_001005242.3(PKP2):c.348T>A (p.Thr116=)

Gene: PKP2 (plakophilin 2; minus strand). Cytogenetic location: 12p11.21.
Variant type: single nucleotide variant.
Coding change: c.348T>A on transcript NM_001005242.3 (MANE Select); coding-DNA position 348, T replaced by A.
Protein change: p.Thr116=; no amino-acid change (threonine 116 retained).
Molecular consequence: synonymous variant.
Genome position (GRCh38, 1-based): chr12:32,878,532, A>T on the plus strand (T>A on the coding strand, the complement: PKP2 is on the minus strand). VCF-style: chr12-32878532-A-T. GRCh37 (hg19) VCF-style: chr12-33031466-A-T.
Other names: c.348T>A, p.Thr116= (NM_001407155.1, NM_001407156.1, NM_001407157.1 and 2 more transcripts); c.21T>A, p.Thr7= (NM_001407158.1, NM_001407159.1, NM_001407160.1 and 1 more transcripts).
Identifiers: ClinVar variation 2875287 (VCV002875287.4), dbSNP rs1565599612, ClinGen allele CA479388405.